The following is an entry in ClinVar:

NM_001089.3(ABCA3):c.2429_2430del (p.Phe810fs)

Gene: ABCA3 (ATP binding cassette subfamily A member 3; minus strand). Cytogenetic location: 16p13.3.
Variant type: Deletion.
Coding change: c.2429_2430del on transcript NM_001089.3 (MANE Select); coding-DNA positions 2429 to 2430, 2 bases deleted (TT; older notation c.2429_2430delTT).
Protein change: p.Phe810fs; shifts the reading frame from phenylalanine 810.
Molecular consequence: frameshift variant.
Genome position (GRCh38, 1-based): chr16:2,292,223-2,292,224, AA deleted on the plus strand (TT on the coding strand, the reverse complement: ABCA3 is on the minus strand); deleting any 2 consecutive bases within chr16:2,292,223-2,292,225 gives the same sequence; the c. name uses the placement nearest the transcript's 3' end. VCF-style (leftmost placement, unchanged base first): chr16-2292222-CAA-C. GRCh37 (hg19) VCF-style: chr16-2342223-CAA-C.
Other names: short protein forms F810fs.
Identifiers: ClinVar variation 2628386 (VCV002628386.1), dbSNP rs2505632878, ClinGen allele CA645592105.

ClinVar aggregate classification (germline): Pathogenic (1 of 4 stars; one submission).

Conditions:
ABCA3-related disorder. Also called: ABCA3-related condition.

Submission:

PreventionGenetics, part of Exact Sciences
Classification: Pathogenic for ABCA3-related condition. Last evaluated: 2022-09-15. Review status: criteria provided, single submitter. Criteria: ACMG Guidelines, 2015. Collection method: clinical testing. Allele origin: germline.
Comment: The ABCA3 c.2429_2430delTT variant is predicted to result in a frameshift and premature protein termination (p.Phe810Cysfs*2). This variant was reported in individuals with fatal surfactant deficiency (Brasch et al. 2006. PubMed ID: 16728712; Patient 20 in Kröner C et al 2016. PubMed ID: 27516224). This variant has not been reported in a large population database, indicating this variant is rare. Frameshift variants in ABCA3 are expected to be pathogenic. This variant is interpreted as pathogenic.